The following is an entry in ClinVar:

NM_001042492.3(NF1):c.7332A>G (p.Thr2444=)

Gene: NF1 (neurofibromin 1; plus strand). Cytogenetic location: 17q11.2.
Variant type: single nucleotide variant.
Coding change: c.7332A>G on transcript NM_001042492.3 (MANE Select); coding-DNA position 7332, A replaced by G.
Protein change: p.Thr2444=; no amino-acid change (threonine 2444 retained).
Molecular consequence: synonymous variant.
Genome position (GRCh38, 1-based): chr17:31,350,193, A>G. VCF-style: chr17-31350193-A-G. GRCh37 (hg19) VCF-style: chr17-29677211-A-G.
Other names: c.7269A>G, p.Thr2423= (NM_000267.4).
Identifiers: ClinVar variation 412997 (VCV000412997.23), dbSNP rs759005886, ClinGen allele CA8487560.

ClinVar aggregate classification (germline): Benign/Likely benign. Review status: criteria provided, multiple submitters, no conflicts (2 of 4 stars). 9 submissions from 9 submitters: Benign (1); Likely benign (8). Last evaluated 2026-05-21.

Conditions:
Cardiovascular phenotype. Identifiers: MedGen CN230736.
Hereditary cancer-predisposing syndrome. Also called: Neoplastic Syndromes, Hereditary; Tumor predisposition; Hereditary Cancer Syndrome; Hereditary neoplastic syndrome. Identifiers: Orphanet 140162, MedGen C0027672, MeSH D009386, MONDO:0015356.
Neurofibromatosis, familial spinal (FSNF). Identifiers: Orphanet 636, MedGen C1834235, MONDO:0008078, OMIM 162210. Disease mechanism: loss of function.
Juvenile myelomonocytic leukemia (JMML). Also called: LEUKEMIA, JUVENILE MYELOMONOCYTIC, SOMATIC. Identifiers: Orphanet 86834, MedGen C0349639, MONDO:0011908, OMIM 607785, HP:0012209.
Neurofibromatosis-Noonan syndrome (NFNS). Also called: NEUROFIBROMATOSIS WITH NOONAN PHENOTYPE. Identifiers: Orphanet 638, MedGen C2931482, MONDO:0011035, OMIM 601321. Disease mechanism: loss of function.
Café-au-lait macules with pulmonary stenosis (WTSN). Also called: PULMONIC STENOSIS WITH CAFE-AU-LAIT SPOTS. Identifiers: MedGen C0553586, MONDO:0008672, OMIM 193520.
Neurofibromatosis, type 1 (NF1). Also called: VON RECKLINGHAUSEN DISEASE; NEUROFIBROMATOSIS, TYPE I, SOMATIC; Peripheral type neurofibromatosis; Neurofibromatosis, type I. Identifiers: Orphanet 636, MedGen C0027831, MONDO:0018975, OMIM 162200. Disease mechanism: loss of function.

Allele frequency attached by ClinVar (database versions not stated): ExAC 0.00001; gnomAD 0.00001; TOPMed 0.00001.
gnomAD v4.1: 13 of 1,613,892 alleles (0.00081%); highest among the groups gnomAD compares: Admixed American, 0.0083%; no homozygotes.

Submissions (9):

Myriad Genetics, Inc.
Classification: Benign for Neurofibromatosis, type 1. Last evaluated: 2026-05-21. Review status: criteria provided, single submitter. Criteria: Myriad Autosomal Dominant, Autosomal Recessive and X-Linked Classification Criteria (2023). Collection method: clinical testing. Allele origin: unknown.
Comment: This variant is considered benign. This variant is a silent/synonymous amino acid change and it is not expected to impact splicing.

Labcorp Genetics (formerly Invitae), Labcorp
Classification: Likely benign for Neurofibromatosis, type 1. Last evaluated: 2026-02-04. Review status: criteria provided, single submitter. Criteria: Invitae Variant Classification Sherloc (09022015). Collection method: clinical testing. Allele origin: germline.

Blueprint Genetics
Classification: Likely benign. Last evaluated: 2024-07-15. Review status: criteria provided, single submitter. Criteria: ACMG Guidelines, 2015. Collection method: clinical testing. Allele origin: germline.

Fulgent Genetics
Classification: Likely benign for Neurofibromatosis, type 1; Neurofibromatosis, familial spinal; Café-au-lait macules with pulmonary stenosis; Neurofibromatosis-Noonan syndrome; Juvenile myelomonocytic leukemia. Last evaluated: 2022-05-13. Review status: criteria provided, single submitter. Criteria: ACMG Guidelines, 2015. Collection method: clinical testing. Allele origin: unknown.

Genome-Nilou Lab
Classification: Likely benign for Neurofibromatosis, type 1. Last evaluated: 2022-03-15. Review status: criteria provided, single submitter. Criteria: ACMG Guidelines, 2015. Collection method: clinical testing. Allele origin: germline. Affected: no.

Sema4
Classification: Likely benign for Hereditary cancer-predisposing syndrome. Last evaluated: 2022-01-14. Review status: criteria provided, single submitter. Criteria: Sema4 Curation Guidelines. Collection method: curation. Allele origin: germline.

GeneDx
Classification: Likely benign. Last evaluated: 2021-05-25. Review status: criteria provided, single submitter. Criteria: GeneDx Variant Classification Process June 2021. Collection method: clinical testing. Allele origin: germline. Affected: yes.

PreventionGenetics, part of Exact Sciences
Classification: Likely benign. Last evaluated: 2017-09-13. Review status: criteria provided, single submitter. Criteria: ACMG Guidelines, 2015. Collection method: clinical testing. Allele origin: germline.

Ambry Genetics
Classification: Likely benign for Cardiovascular phenotype; Hereditary cancer-predisposing syndrome. Last evaluated: 2016-12-08. Review status: criteria provided, single submitter. Criteria: Ambry Variant Classification Scheme 2023. Collection method: clinical testing. Allele origin: germline.